The following is an entry in ClinVar:

NM_000204.5(CFI):c.1122G>T (p.Trp374Cys)

Gene: CFI (complement factor I; minus strand). Cytogenetic location: 4q25.
Variant type: single nucleotide variant.
Coding change: c.1122G>T on transcript NM_000204.5 (MANE Select); coding-DNA position 1122, G replaced by T.
Protein change: p.Trp374Cys; replaces tryptophan 374 with cysteine.
Molecular consequence: missense variant. On other transcripts: non-coding transcript variant (3).
Genome position (GRCh38, 1-based): chr4:109,749,244, C>A on the plus strand (G>T on the coding strand, the complement: CFI is on the minus strand). VCF-style: chr4-109749244-C-A. GRCh37 (hg19) VCF-style: chr4-110670400-C-A.
Other names: c.1146G>T, p.Trp382Cys (NM_001318057.2, NM_001375278.1, NM_001440988.1); c.1101G>T, p.Trp367Cys (NM_001331035.2, NM_001375280.1, NM_001375282.1 and 1 more transcripts); c.1122G>T, p.Trp374Cys (NM_001375279.1, NM_001375281.1, NM_001440989.1); c.1065G>T, p.Trp355Cys (NM_001375283.1); c.513G>T, p.Trp171Cys (NM_001375284.1); c.1143G>T, p.Trp381Cys (NM_001440985.1, NM_001440986.1); short protein forms W171C, W355C, W367C, W374C, W381C, W382C.
Identifiers: ClinVar variation 4280563 (VCV004280563.1).
Genomic context (GRCh38, chr4:109,749,244, plus strand): 5'-GGGAAATCTAAAATTTACTGAAGACATCTTTTACCTGAGACAATGTGCAGCAGTCAGAAT[C>A]CAACAGCCACCAATATAAATTCCCCCACAGGTGATTCCACTGGCATCCTTAATTGCCACC-3'
Protein context (NP_000195.3, residues 364-384): TCGGIYIGGC[Trp374Cys]ILTAAHCLRA

ClinVar aggregate classification (germline): Likely pathogenic, low penetrance (1 of 4 stars; one submission).

Conditions:
CFI-related disorder. Also called: CFI-related condition; CFI-related disorders. Identifiers: MedGen CN239325.

gnomAD v4.1: 1 of 1,614,122 alleles (0.000062%); highest among the groups gnomAD compares: Non-Finnish European, 0.000085%; no homozygotes.

Submission:

Genomenon, Inc
Classification: Likely pathogenic, low penetrance for CFI-related disorder. Last evaluated: 2025-09-26. Review status: criteria provided, single submitter. Criteria: Genomenon Sequence Variant Interpretation Standards - Updated. Collection method: curation. Allele origin: germline. Affected: no.
Comment: CFI p.Trp374Cys (c.1122G>T) is a missense variant that changes the amino acid at residue 374 from Tryptophan to Cysteine. This variant has been reported in the published literature (PMID:27939104). At least one functional study has demonstrated a substantial alteration in protein function relative to the wild-type (PMID:32510551). It is absent or not present at a significant frequency in gnomAD. In silico models agree that this variant is possibly or probably damaging. In conclusion, we classify CFI p.Trp374Cys (c.1122G>T) as a likely pathogenic, low penetrance variant.

Literature cited by the submitters: PubMed 27939104; 32510551.